The following is an entry in ClinVar:

NM_005121.3(MED13):c.475C>T (p.His159Tyr)

Gene: MED13 (mediator complex subunit 13; minus strand). Cytogenetic location: 17q23.2.
Variant type: single nucleotide variant.
Coding change: c.475C>T on transcript NM_005121.3 (MANE Select); coding-DNA position 475, C replaced by T.
Protein change: p.His159Tyr; replaces histidine 159 with tyrosine.
Molecular consequence: missense variant.
Genome position (GRCh38, 1-based): chr17:62,035,604, G>A on the plus strand (C>T on the coding strand, the complement: MED13 is on the minus strand). VCF-style: chr17-62035604-G-A. GRCh37 (hg19) VCF-style: chr17-60112965-G-A.
Other names: short protein forms H159Y.
Identifiers: ClinVar variation 3778384 (VCV003778384.7).

ClinVar aggregate classification (germline): Uncertain significance (1 of 4 stars; one submission).

gnomAD v4.1: 1 of 1,602,944 alleles (0.000062%); highest among the groups gnomAD compares: Non-Finnish European, 0.000085%; no homozygotes.

Submission:

CeGaT Center for Human Genetics Tuebingen
Classification: Uncertain significance. Last evaluated: 2025-03-01. Review status: criteria provided, single submitter. Criteria: CeGaT Center For Human Genetics Tuebingen Variant Classification Criteria Version 2. Collection method: clinical testing. Allele origin: germline. Affected: yes. Observed: 1 variant allele.
Comment: MED13: PM2, PP3